The following is an entry in ClinVar:

NM_000834.5(GRIN2B):c.2672T>C (p.Met891Thr)

Gene: GRIN2B (glutamate ionotropic receptor NMDA type subunit 2B; minus strand). Cytogenetic location: 12p13.1.
Variant type: single nucleotide variant.
Coding change: c.2672T>C on transcript NM_000834.5 (MANE Select); coding-DNA position 2672, T replaced by C.
Protein change: p.Met891Thr; replaces methionine 891 with threonine.
Molecular consequence: missense variant.
Genome position (GRCh38, 1-based): chr12:13,564,566, A>G on the plus strand (T>C on the coding strand, the complement: GRIN2B is on the minus strand). VCF-style: chr12-13564566-A-G. GRCh37 (hg19) VCF-style: chr12-13717500-A-G.
Other names: c.2672T>C, p.Met891Thr (NM_001413992.1); short protein forms M891T.
Identifiers: ClinVar variation 3753855 (VCV003753855.2).

ClinVar aggregate classification (germline): Uncertain significance (1 of 4 stars; one submission).

Conditions:
Developmental and epileptic encephalopathy, 27 (DEE27). Also called: Epileptic encephalopathy, early infantile, 27; GRIN2B-Related Neurodevelopmental Disorder. Identifiers: Orphanet 3451, MedGen C4015316, MONDO:0014505, OMIM 616139.
Intellectual developmental disorder, autosomal dominant 6, with or without seizures. Also called: Intellectual disability, autosomal dominant 6; GRIN2B-related developmental delay, intellectual disability and autism spectrum disorder. Identifiers: Orphanet 589547, MedGen C3151411, MONDO:0013509, OMIM 613970.

Submission:

Labcorp Genetics (formerly Invitae), Labcorp
Classification: Uncertain significance for Developmental and epileptic encephalopathy, 27; Intellectual developmental disorder, autosomal dominant 6, with or without seizures. Last evaluated: 2024-06-11. Review status: criteria provided, single submitter. Criteria: Invitae Variant Classification Sherloc (09022015). Collection method: clinical testing. Allele origin: germline.
Comment: This sequence change replaces methionine, which is neutral and non-polar, with threonine, which is neutral and polar, at codon 891 of the GRIN2B protein (p.Met891Thr). This variant is not present in population databases (gnomAD no frequency). This variant has not been reported in the literature in individuals affected with GRIN2B-related conditions. Advanced modeling of protein sequence and biophysical properties (such as structural, functional, and spatial information, amino acid conservation, physicochemical variation, residue mobility, and thermodynamic stability) performed at Invitae indicates that this missense variant is not expected to disrupt GRIN2B protein function with a negative predictive value of 95%. In summary, the available evidence is currently insufficient to determine the role of this variant in disease. Therefore, it has been classified as a Variant of Uncertain Significance.